The following is an entry in ClinVar:

NM_000074.3(CD40LG):c.682G>T (p.Val228Leu)

Gene: CD40LG (CD40 ligand; plus strand). Cytogenetic location: Xq26.3.
Variant type: single nucleotide variant.
Coding change: c.682G>T on transcript NM_000074.3 (MANE Select); coding-DNA position 682, G replaced by T.
Protein change: p.Val228Leu; replaces valine 228 with leucine.
Molecular consequence: missense variant.
Genome position (GRCh38, 1-based): chrX:136,659,311, G>T. VCF-style: chrX-136659311-G-T. GRCh37 (hg19) VCF-style: chrX-135741470-G-T.
Other names: short protein forms V228L.
Identifiers: ClinVar variation 3488091 (VCV003488091.3).
Genomic context (GRCh38, chrX:136,659,311, plus strand): 5'-GCTGCAAATACCCACAGTTCCGCCAAACCTTGCGGGCAACAATCCATTCACTTGGGAGGA[G>T]TATTTGAATTGCAACCAGGTGCTTCGGTGTTTGTCAATGTGACTGATCCAAGCCAAGTGA-3'
Protein context (NP_000065.1, residues 218-238): CGQQSIHLGG[Val228Leu]FELQPGASVF

ClinVar aggregate classification (germline): Uncertain significance. Review status: criteria provided, multiple submitters, no conflicts (2 of 4 stars). 2 submissions from 2 submitters: Uncertain significance (2). Last evaluated 2024-08-27.

Conditions:
Inborn genetic diseases. Identifiers: MedGen C0950123, MeSH D030342.
Hyper-IgM syndrome type 1. Also called: CD40 Ligand Deficiency; X-linked hyper-IgM syndrome; Hyper-IgM Immunodeficiency Syndrome, Type 1; Immunodeficiency, X-linked, with hyper-IgM. Identifiers: Orphanet 101088, MedGen C0398689, MONDO:0010626, OMIM 308230.

gnomAD v4.1: 5 of 1,211,026 alleles (0.00041%); highest among the groups gnomAD compares: Non-Finnish European, 0.00056%; no homozygotes.

Submissions (2):

Ambry Genetics
Classification: Uncertain significance for Inborn genetic diseases. Last evaluated: 2024-08-27. Review status: criteria provided, single submitter. Criteria: Ambry Variant Classification Scheme 2023. Collection method: clinical testing. Allele origin: germline.

Labcorp Genetics (formerly Invitae), Labcorp
Classification: Uncertain significance for Hyper-IgM syndrome type 1. Last evaluated: 2024-08-04. Review status: criteria provided, single submitter. Criteria: Invitae Variant Classification Sherloc (09022015). Collection method: clinical testing. Allele origin: germline.
Comment: This sequence change replaces valine, which is neutral and non-polar, with leucine, which is neutral and non-polar, at codon 228 of the CD40LG protein (p.Val228Leu). This variant is present in population databases (rs755229833, gnomAD 0.001%), including at least one homozygous and/or hemizygous individual. This variant has not been reported in the literature in individuals affected with CD40LG-related conditions. Advanced modeling of protein sequence and biophysical properties (such as structural, functional, and spatial information, amino acid conservation, physicochemical variation, residue mobility, and thermodynamic stability) performed at Invitae indicates that this missense variant is not expected to disrupt CD40LG protein function with a negative predictive value of 80%. In summary, the available evidence is currently insufficient to determine the role of this variant in disease. Therefore, it has been classified as a Variant of Uncertain Significance.